The following is an entry in ClinVar:

ClinVar aggregate classification (germline): Uncertain significance (1 of 4 stars; one submission).

gnomAD v4.1: 3 of 1,614,058 alleles (0.00019%); highest among the groups gnomAD compares: Non-Finnish European, 0.00025%; no homozygotes.

Submission:

Ambry Genetics
Classification: Uncertain significance. Last evaluated: 2025-04-18. Review status: criteria provided, single submitter. Criteria: Ambry Variant Classification Scheme 2023. Collection method: clinical testing. Allele origin: germline.
Comment: The c.639+4C>A intronic variant results from a C to A substitution 4 nucleotides after coding exon 2 in the PALLD gene. This nucleotide position is not well conserved in available vertebrate species. In silico splice site analysis predicts that this alteration will not have any significant effect on splicing. The evidence for this gene-disease relationship is limited; therefore, the clinical significance of this alteration is unclear.

NM_001166108.2(PALLD):c.2100+4C>A

Gene: PALLD (palladin, cytoskeletal associated protein; plus strand). Cytogenetic location: 4q32.3.
Variant type: single nucleotide variant.
Coding change: c.2100+4C>A on transcript NM_001166108.2 (MANE Select); 4 bases into the intron after coding-DNA position 2100, C replaced by A.
Molecular consequence: intron variant.
Genome position (GRCh38, 1-based): chr4:168,891,061, C>A. VCF-style: chr4-168891061-C-A. GRCh37 (hg19) VCF-style: chr4-169812212-C-A.
Other names: c.2100+4C>A (NM_016081.4); c.954+4C>A (NM_001166109.2); c.639+4C>A (NM_001166110.2); c.-22+4C>A (NM_001367570.1, NM_001367568.1, NM_001367567.1 and 1 more transcripts).
Identifiers: ClinVar variation 3927490 (VCV003927490.1).